The following is an entry in ClinVar:

ClinVar aggregate classification (germline): Benign/Likely benign. Review status: criteria provided, single submitter (1 of 4 stars). 2 submissions from 1 submitter: Benign (1); Likely benign (1). Last evaluated 2018-01-13.

Conditions:
Neural tube defect (NTD). Also called: Neural tube defects. Identifiers: Orphanet 3388, Orphanet 823, MedGen C0027794, MONDO:0018075, HP:0045005.
Sacral defect with anterior meningocele. Identifiers: MedGen C1838568, OMIM 600145.

Allele frequency attached by ClinVar (database versions not stated): 1000 Genomes Project 30x 0.00203; 1000 Genomes Project 0.00220; TOPMed 0.00137.

Submissions (2):

Illumina Laboratory Services, Illumina
Classification: Benign for Sacral defect with anterior meningocele. Last evaluated: 2018-01-13. Review status: criteria provided, single submitter. Criteria: ICSL Variant Classification Criteria 13 December 2019. Collection method: clinical testing. Allele origin: germline.
Comment: This variant was observed in the ICSL laboratory as part of a predisposition screen in an ostensibly healthy population. It had not been previously curated by ICSL or reported in the Human Gene Mutation Database (HGMD: prior to June 1st, 2018), and was therefore a candidate for classification through an automated scoring system. Utilizing variant allele frequency, disease prevalence and penetrance estimates, and inheritance mode, an automated score was calculated to assess if this variant is too frequent to cause the disease. Based on the score and internal cut-off values, a variant classified as benign is not then subjected to further curation. The score for this variant resulted in a classification of benign for this disease.

Illumina Laboratory Services, Illumina
Classification: Likely benign for Neural tube defects, susceptibility to. Last evaluated: 2018-01-13. Review status: criteria provided, single submitter. Criteria: ICSL Variant Classification Criteria 13 December 2019. Collection method: clinical testing. Allele origin: germline.
Comment: This variant was observed in the ICSL laboratory as part of a predisposition screen in an ostensibly healthy population. It had not been previously curated by ICSL or reported in the Human Gene Mutation Database (HGMD: prior to June 1st, 2018), and was therefore a candidate for classification through an automated scoring system. Utilizing variant allele frequency, disease prevalence and penetrance estimates, and inheritance mode, an automated score was calculated to assess if this variant is too frequent to cause the disease. Based on the score and internal cut-off values, a variant classified as likely benign is not then subjected to further curation. The score for this variant resulted in a classification of likely benign for this disease.

NM_138959.3(VANGL1):c.*5008T>A

Gene: VANGL1 (VANGL planar cell polarity protein 1; plus strand). Cytogenetic location: 1p13.1.
Variant type: single nucleotide variant.
Coding change: c.*5008T>A on transcript NM_138959.3 (MANE Select); 5008 bases downstream of the stop codon, T replaced by A.
Molecular consequence: 3 prime UTR variant.
Genome position (GRCh38, 1-based): chr1:115,696,387, T>A. VCF-style: chr1-115696387-T-A. GRCh37 (hg19) VCF-style: chr1-116239008-T-A.
Other names: c.*5008T>A (NM_001172411.2, NM_001172412.2).
Identifiers: ClinVar variation 876833 (VCV000876833.4), dbSNP rs117347999, ClinGen allele CA29601322.